The following is an entry in ClinVar:

NC_000022.10:g.(?_29099473)_(29130709_?)dup

Gene: CHEK2 (checkpoint kinase 2; minus strand). Cytogenetic location: 22q12.1.
Variant type: Duplication.
Identifiers: ClinVar variation 3247524 (VCV003247524.1).

ClinVar aggregate classification (germline): Uncertain significance (1 of 4 stars; one submission).

Conditions:
Familial cancer of breast. Also called: BREAST CANCER, FAMILIAL; Hereditary breast cancer; hereditary breast carcinoma. Identifiers: Orphanet 227535, MedGen C0346153, MONDO:0016419, OMIM 114480. Disease mechanism: loss of function.

Submission:

Labcorp Genetics (formerly Invitae), Labcorp
Classification: Uncertain significance for Familial cancer of breast. Last evaluated: 2024-01-03. Review status: criteria provided, single submitter. Criteria: Invitae Variant Classification Sherloc (09022015). Collection method: clinical testing. Allele origin: unknown.
Comment: This variant results in a copy number gain of the genomic region encompassing exon(s) 2-8 of the CHEK2 gene. This region includes the initiator codon of the gene. This copy number gain extends beyond the assayed region for this gene and therefore may encompass additional genes. As the precise location of this event is unknown, it may be in tandem or it may be located elsewhere in the genome. This variant has not been reported in the literature in individuals affected with CHEK2-related conditions. In summary, the available evidence is currently insufficient to determine the role of this variant in disease. Therefore, it has been classified as a Variant of Uncertain Significance.